The following is an entry in ClinVar:

NM_001369.3(DNAH5):c.57G>T (p.Thr19=)

Gene: DNAH5 (dynein axonemal heavy chain 5; minus strand). Cytogenetic location: 5p15.2.
Variant type: single nucleotide variant.
Coding change: c.57G>T on transcript NM_001369.3 (MANE Select); coding-DNA position 57, G replaced by T.
Protein change: p.Thr19=; no amino-acid change (threonine 19 retained).
Molecular consequence: synonymous variant.
Genome position (GRCh38, 1-based): chr5:13,944,382, C>A on the plus strand (G>T on the coding strand, the complement: DNAH5 is on the minus strand). VCF-style: chr5-13944382-C-A. GRCh37 (hg19) VCF-style: chr5-13944491-C-A.
Identifiers: ClinVar variation 414366 (VCV000414366.16), dbSNP rs142969794, ClinGen allele CA3205304.

ClinVar aggregate classification (germline): Conflicting classifications of pathogenicity. Review status: criteria provided, conflicting classifications (1 of 4 stars). 3 submissions from 3 submitters: Uncertain significance (1); Likely benign (2). Last evaluated 2026-01-18.

Conditions:
Primary ciliary dyskinesia. Also called: Ciliary dyskinesia. Identifiers: Orphanet 244, MedGen C0008780, MONDO:0016575, HP:0012265.

Allele frequency attached by ClinVar (database versions not stated): ExAC 0.00030; TOPMed 0.00064; ESP Exome Variant Server 0.00108; 1000 Genomes Project 30x 0.00125; 1000 Genomes Project 0.00160.
gnomAD v4.1: 148 of 1,613,722 alleles (0.0092%); highest among the groups gnomAD compares: African/African-American, 0.19%; no homozygotes.

Submissions (3):

Labcorp Genetics (formerly Invitae), Labcorp
Classification: Likely benign for Primary ciliary dyskinesia. Last evaluated: 2026-01-18. Review status: criteria provided, single submitter. Criteria: Invitae Variant Classification Sherloc (09022015). Collection method: clinical testing. Allele origin: germline.

Ambry Genetics
Classification: Likely benign for Primary ciliary dyskinesia. Last evaluated: 2023-12-13. Review status: criteria provided, single submitter. Criteria: Ambry Variant Classification Scheme 2023. Collection method: clinical testing. Allele origin: germline.

GeneDx
Classification: Uncertain significance. Last evaluated: 2022-04-27. Review status: criteria provided, single submitter. Criteria: GeneDx Variant Classification Process June 2021. Collection method: clinical testing. Allele origin: germline. Affected: yes.
Comment: In silico analysis supports a deleterious effect on splicing; Has not been previously published as pathogenic or benign to our knowledge